The following is an entry in ClinVar:

ClinVar aggregate classification (germline): Likely benign. Review status: criteria provided, multiple submitters, no conflicts (2 of 4 stars). 2 submissions from 2 submitters: Likely benign (2). Last evaluated 2022-07-01.

Allele frequency attached by ClinVar (database versions not stated): TOPMed below 0.00001; ExAC 0.00001; gnomAD 0.00001; gnomAD exomes 0.00001.
gnomAD v4.1: 21 of 1,613,594 alleles (0.0013%); highest among the groups gnomAD compares: East Asian, 0.0022%; no homozygotes.

Submissions (2):

Labcorp Genetics (formerly Invitae), Labcorp
Classification: Likely benign. Last evaluated: 2022-07-01. Review status: criteria provided, single submitter. Criteria: Invitae Variant Classification Sherloc (09022015). Collection method: clinical testing. Allele origin: germline.

GeneDx
Classification: Likely benign. Last evaluated: 2017-04-04. Review status: criteria provided, single submitter. Criteria: GeneDx Variant Classification (06012015). Collection method: clinical testing. Allele origin: germline. Affected: yes.
Comment: This variant is considered likely benign or benign based on one or more of the following criteria: it is a conservative change, it occurs at a poorly conserved position in the protein, it is predicted to be benign by multiple in silico algorithms, and/or has population frequency not consistent with disease.

NM_080680.3(COL11A2):c.1665+15C>A

Gene: COL11A2 (collagen type XI alpha 2 chain; minus strand). Cytogenetic location: 6p21.32.
Variant type: single nucleotide variant.
Coding change: c.1665+15C>A on transcript NM_080680.3 (MANE Select); 15 bases into the intron after coding-DNA position 1665, C replaced by A.
Molecular consequence: intron variant.
Genome position (GRCh38, 1-based): chr6:33,178,905, G>T on the plus strand (C>A on the coding strand, the complement: COL11A2 is on the minus strand). VCF-style: chr6-33178905-G-T. GRCh37 (hg19) VCF-style: chr6-33146682-G-T.
Other names: c.1344+15C>A (NM_080679.3); c.1407+15C>A (NM_080681.3).
Identifiers: ClinVar variation 508651 (VCV000508651.6), dbSNP rs781663197, ClinGen allele CA3751267.
Genomic context (GRCh38, chr6:33,178,905, plus strand): 5'-GTCATCCCCAAGAAACAACTGAGCCCAGCGTGGGCTGAAGGCTACAGGCTTCAGGGAGGG[G>T]CCCAAGCCTGTTACCTTCACTCCAGGATCTCCAGGCATCCCTCGGGCTCCATCAGCACCT-3'